The following is an entry in ClinVar:

NM_002180.3(IGHMBP2):c.1756+5G>A

Gene: IGHMBP2 (immunoglobulin mu DNA binding protein 2; plus strand). Cytogenetic location: 11q13.3.
Variant type: single nucleotide variant.
Coding change: c.1756+5G>A on transcript NM_002180.3 (MANE Select); 5 bases into the intron after coding-DNA position 1756, G replaced by A.
Molecular consequence: intron variant.
Genome position (GRCh38, 1-based): chr11:68,935,427, G>A. VCF-style: chr11-68935427-G-A. GRCh37 (hg19) VCF-style: chr11-68702895-G-A.
Identifiers: ClinVar variation 947773 (VCV000947773.6), dbSNP rs1352994155, ClinGen allele CA599992221.

ClinVar aggregate classification (germline): Conflicting classifications of pathogenicity. Review status: criteria provided, conflicting classifications (1 of 4 stars). 2 submissions from 2 submitters: Uncertain significance (1); Likely benign (1). Last evaluated 2025-09-03.

Conditions:
Charcot-Marie-Tooth disease axonal type 2S. Also called: CHARCOT-MARIE-TOOTH NEUROPATHY, TYPE 2S; CHARCOT-MARIE-TOOTH DISEASE, AXONAL, AUTOSOMAL RECESSIVE, TYPE 2S. Identifiers: Orphanet 443073, MedGen C4015349, MONDO:0014511, OMIM 616155.
Autosomal recessive distal spinal muscular atrophy 1. Also called: NEURONOPATHY, SEVERE INFANTILE AXONAL, WITH RESPIRATORY FAILURE; SEVERE INFANTILE AXONAL NEUROPATHY WITH RESPIRATORY FAILURE; SPINAL MUSCULAR ATROPHY, DIAPHRAGMATIC; Spinal muscular atrophy with respiratory distress 1; NEURONOPATHY, DISTAL HEREDITARY MOTOR, HARDING TYPE VI; NEUROPATHY, DISTAL HEREDITARY MOTOR, AUTOSOMAL RECESSIVE 1. Identifiers: Orphanet 98920, MedGen C1858517, MONDO:0011436, OMIM 604320.
IGHMBP2-related disorder. Also called: IGHMBP2-related condition; IGHMBP2-related disorders.

Allele frequency attached by ClinVar (database versions not stated): gnomAD exomes below 0.00001; gnomAD 0.00001; TOPMed 0.00001.
gnomAD v4.1: 8 of 1,613,802 alleles (0.0005%); highest among the groups gnomAD compares: Admixed American, 0.0017%; no homozygotes.

Submissions (2):

PreventionGenetics, part of Exact Sciences
Classification: Likely benign for IGHMBP2-related condition. Last evaluated: 2025-09-03. Review status: criteria provided, single submitter. Criteria: ACMG Guidelines, 2015. Collection method: clinical testing. Allele origin: germline.
Comment: This variant is classified as likely benign based on ACMG/AMP sequence variant interpretation guidelines (Richards et al. 2015 PMID: 25741868, with internal and published modifications).

Labcorp Genetics (formerly Invitae), Labcorp
Classification: Uncertain significance for Autosomal recessive distal spinal muscular atrophy 1; Charcot-Marie-Tooth disease axonal type 2S. Last evaluated: 2021-11-29. Review status: criteria provided, single submitter. Criteria: Invitae Variant Classification Sherloc (09022015). Collection method: clinical testing. Allele origin: germline.
Comment: This sequence change falls in intron 12 of the IGHMBP2 gene. It does not directly change the encoded amino acid sequence of the IGHMBP2 protein. It affects a nucleotide within the consensus splice site. This variant is present in population databases (no rsID available, gnomAD 0.0009%). This variant has not been reported in the literature in individuals affected with IGHMBP2-related conditions. ClinVar contains an entry for this variant (Variation ID: 947773). Variants that disrupt the consensus splice site are a relatively common cause of aberrant splicing (PMID: 17576681, 9536098). Algorithms developed to predict the effect of sequence changes on RNA splicing suggest that this variant may disrupt the consensus splice site. In summary, the available evidence is currently insufficient to determine the role of this variant in disease. Therefore, it has been classified as a Variant of Uncertain Significance.

Literature cited by the submitters: PubMed 17576681 (cited by Labcorp Genetics (formerly Invitae), Labcorp); PubMed 9536098 (cited by Labcorp Genetics (formerly Invitae), Labcorp).